The following is an entry in ClinVar:

ClinVar aggregate classification (germline): Uncertain significance (1 of 4 stars; one submission).

Conditions:
Cardiovascular phenotype. Identifiers: MedGen CN230736.

gnomAD v4.1: 4 of 1,613,828 alleles (0.00025%); highest among the groups gnomAD compares: Non-Finnish European, 0.00034%; no homozygotes.

Submission:

Ambry Genetics
Classification: Uncertain significance for Cardiovascular phenotype. Last evaluated: 2026-02-19. Review status: criteria provided, single submitter. Criteria: Ambry Variant Classification Scheme 2023. Collection method: clinical testing. Allele origin: germline.
Comment: The p.P528L variant (also known as c.1583C>T), located in coding exon 8 of the SHOC2 gene, results from a C to T substitution at nucleotide position 1583. The proline at codon 528 is replaced by leucine, an amino acid with similar properties. This amino acid position is conserved. In addition, this alteration is predicted to be deleterious by in silico analysis. Based on the available evidence, the clinical significance of this variant remains unclear.

NM_007373.4(SHOC2):c.1583C>T (p.Pro528Leu)

Gene: SHOC2 (SHOC2 leucine rich repeat scaffold protein; plus strand). Cytogenetic location: 10q25.2.
Variant type: single nucleotide variant.
Coding change: c.1583C>T on transcript NM_007373.4 (MANE Select); coding-DNA position 1583, C replaced by T.
Protein change: p.Pro528Leu; replaces proline 528 with leucine.
Molecular consequence: missense variant. On other transcripts: 3 prime UTR variant (1), non-coding transcript variant (1).
Genome position (GRCh38, 1-based): chr10:111,011,652, C>T. VCF-style: chr10-111011652-C-T. GRCh37 (hg19) VCF-style: chr10-112771410-C-T.
Other names: c.1445C>T, p.Pro482Leu (NM_001269039.3, NM_001441186.1); c.1583C>T, p.Pro528Leu (NM_001324336.2, NM_001324337.2, NM_001441184.1 and 1 more transcripts); c.*25C>T (NM_001441187.1); c.914C>T, p.Pro305Leu (NM_001441188.1); c.500C>T, p.Pro167Leu (NM_001441189.1, NM_001441190.1, NM_001441191.1); short protein forms P482L, P528L, P167L, P305L.
Identifiers: ClinVar variation 4824267 (VCV004824267.1).